The following is an entry in ClinVar:

ClinVar aggregate classification (germline): Likely benign (1 of 4 stars; one submission).

Allele frequency attached by ClinVar (database versions not stated): gnomAD 0.00003; TOPMed 0.00003; ExAC 0.00007; gnomAD exomes 0.00002.

Submission:

CeGaT Center for Human Genetics Tuebingen
Classification: Likely benign. Last evaluated: 2022-11-01. Review status: criteria provided, single submitter. Criteria: CeGaT Center For Human Genetics Tuebingen Variant Classification Criteria Version 2. Collection method: clinical testing. Allele origin: germline. Affected: yes. Observed: 1 variant allele.
Comment: BRS3: BP4, BS2

NM_001727.2(BRS3):c.511G>A (p.Val171Ile)

Gene: BRS3 (bombesin receptor subtype 3; plus strand). Cytogenetic location: Xq26.3.
Variant type: single nucleotide variant.
Coding change: c.511G>A on transcript NM_001727.2 (MANE Select); coding-DNA position 511, G replaced by A.
Protein change: p.Val171Ile; replaces valine 171 with isoleucine.
Molecular consequence: missense variant.
Genome position (GRCh38, 1-based): chrX:136,490,209, G>A. VCF-style: chrX-136490209-G-A. GRCh37 (hg19) VCF-style: chrX-135572368-G-A.
Other names: short protein forms V171I.
Identifiers: ClinVar variation 2661518 (VCV002661518.24), dbSNP rs752869358, ClinGen allele CA10527422.